The following is an entry in ClinVar:

ClinVar aggregate classification (germline): Conflicting classifications of pathogenicity. Review status: criteria provided, conflicting classifications (1 of 4 stars). 4 submissions from 4 submitters: Uncertain significance (3); Likely benign (1). Last evaluated 2026-09-02.

Conditions:
Malignant hyperthermia, susceptibility to, 5 (MHS5). Also called: CACNA1S-Related Malignant Hyperthermia Susceptibility. Identifiers: Orphanet 423, MedGen C1866077, MONDO:0011163, OMIM 601887.
Hypokalemic periodic paralysis, type 1. Also called: HypoPP; Hypokalemic Periodic Paralysis Type 1 (AD). Identifiers: Orphanet 681, MedGen C3714580, MONDO:0042979, OMIM 170400.

Allele frequency attached by ClinVar (database versions not stated): gnomAD exomes 0.00011 and 0.00013; TOPMed 0.00014; ESP Exome Variant Server 0.00015; gnomAD 0.00009 and 0.00011; ExAC 0.00011.
gnomAD v4.1: 212 of 1,614,048 alleles (0.013%); highest among the groups gnomAD compares: Middle Eastern, 0.016%; 1 homozygote.

Submissions (4):

GeneDx
Classification: Uncertain significance. Last evaluated: 2026-09-02. Review status: criteria provided, single submitter. Criteria: GeneDx Variant Classification Process June 2021. Collection method: clinical testing. Allele origin: germline.
Comment: In silico analysis suggests that this missense variant does not alter protein structure/function; Has not been previously published as pathogenic or benign to our knowledge; This variant is associated with the following publications: (PMID: 39563277)

Labcorp Genetics (formerly Invitae), Labcorp
Classification: Likely benign for Hypokalemic periodic paralysis, type 1; Malignant hyperthermia, susceptibility to, 5. Last evaluated: 2025-12-08. Review status: criteria provided, single submitter. Criteria: Invitae Variant Classification Sherloc (09022015). Collection method: clinical testing. Allele origin: germline.

Color Diagnostics, LLC DBA Color Health
Classification: Uncertain significance for Malignant hyperthermia, susceptibility to, 5. Last evaluated: 2023-11-09. Review status: criteria provided, single submitter. Criteria: ACMG Guidelines, 2015. Collection method: clinical testing. Allele origin: germline.
Comment: This missense variant replaces valine with isoleucine at codon 1064 of the CACNA1S protein. Computational prediction is inconclusive regarding the impact of this variant on protein structure and function. To our knowledge, functional studies have not been reported for this variant. This variant has not been reported in individuals affected with CACNA1S-related disorders in the literature. This variant has been identified in 32/282860 chromosomes in the general population by the Genome Aggregation Database (gnomAD). The available evidence is insufficient to determine the role of this variant in disease conclusively. Therefore, this variant is classified as a Variant of Uncertain Significance.

Revvity Omics, Revvity
Classification: Uncertain significance. Last evaluated: 2021-07-07. Review status: criteria provided, single submitter. Criteria: ACMG Guidelines, 2015. Collection method: clinical testing. Allele origin: germline.

NM_000069.3(CACNA1S):c.3190G>A (p.Val1064Ile)

Gene: CACNA1S (calcium voltage-gated channel subunit alpha1 S; minus strand). Cytogenetic location: 1q32.1.
Variant type: single nucleotide variant.
Coding change: c.3190G>A on transcript NM_000069.3 (MANE Select); coding-DNA position 3190, G replaced by A.
Protein change: p.Val1064Ile; replaces valine 1064 with isoleucine.
Molecular consequence: missense variant.
Genome position (GRCh38, 1-based): chr1:201,061,332, C>T on the plus strand (G>A on the coding strand, the complement: CACNA1S is on the minus strand). VCF-style: chr1-201061332-C-T. GRCh37 (hg19) VCF-style: chr1-201030460-C-T.
Other names: short protein forms V1064I.
Identifiers: ClinVar variation 577807 (VCV000577807.25), dbSNP rs138837077, ClinGen allele CA079587.